The following is an entry in ClinVar:

ClinVar aggregate classification (germline): Benign/Likely benign. Review status: criteria provided, multiple submitters, no conflicts (2 of 4 stars). 4 submissions from 4 submitters: Benign (2); Likely benign (2). Last evaluated 2026-01-16.

Conditions:
Occult macular dystrophy (OCMD). Also called: OMD; OCCULT MACULAR DYSTROPHY, SUSCEPTIBILITY TO. Identifiers: Orphanet 247834, MedGen C3150833, MONDO:0013316, OMIM 613587, HP:0030636.

Allele frequency attached by ClinVar (database versions not stated): TOPMed 0.00049; ESP Exome Variant Server 0.00055; 1000 Genomes Project 0.00140; 1000 Genomes Project 30x 0.00156.

Submissions (4):

Labcorp Genetics (formerly Invitae), Labcorp
Classification: Benign. Last evaluated: 2026-01-16. Review status: criteria provided, single submitter. Criteria: Invitae Variant Classification Sherloc (09022015). Collection method: clinical testing. Allele origin: germline.

Blueprint Genetics
Classification: Likely benign. Last evaluated: 2024-10-07. Review status: criteria provided, single submitter. Criteria: ACMG Guidelines, 2015. Collection method: clinical testing. Allele origin: germline.

CeGaT Center for Human Genetics Tuebingen
Classification: Likely benign. Last evaluated: 2022-09-01. Review status: criteria provided, single submitter. Criteria: CeGaT Center For Human Genetics Tuebingen Variant Classification Criteria Version 2. Collection method: clinical testing. Allele origin: germline. Affected: yes. Observed: 2 variant alleles.
Comment: RP1L1: BP4, BP7

Illumina Laboratory Services, Illumina
Classification: Benign for Occult macular dystrophy. Last evaluated: 2018-01-13. Review status: criteria provided, single submitter. Criteria: ICSL Variant Classification Criteria 13 December 2019. Collection method: clinical testing. Allele origin: germline.
Comment: This variant was observed in the ICSL laboratory as part of a predisposition screen in an ostensibly healthy population. It had not been previously curated by ICSL or reported in the Human Gene Mutation Database (HGMD: prior to June 1st, 2018), and was therefore a candidate for classification through an automated scoring system. Utilizing variant allele frequency, disease prevalence and penetrance estimates, and inheritance mode, an automated score was calculated to assess if this variant is too frequent to cause the disease. Based on the score and internal cut-off values, a variant classified as benign is not then subjected to further curation. The score for this variant resulted in a classification of benign for this disease.

NM_178857.6(RP1L1):c.168C>A (p.Arg56=)

Gene: RP1L1 (RP1 like 1). Cytogenetic location: 8p23.1.
Variant type: single nucleotide variant.
Coding change: c.168C>A on transcript NM_178857.6 (MANE Select); coding-DNA position 168, C replaced by A.
Protein change: p.Arg56=; no amino-acid change (arginine 56 retained).
Molecular consequence: synonymous variant.
Genome position (GRCh38, 1-based): chr8:10,623,034, G>T on the plus strand (C>A on the coding strand, the complement: RP1L1 is on the minus strand). VCF-style: chr8-10623034-G-T. GRCh37 (hg19) VCF-style: chr8-10480544-G-T.
Identifiers: ClinVar variation 361423 (VCV000361423.56), dbSNP rs187433303, ClinGen allele CA4625844.
Genomic context (GRCh38, chr8:10,623,034, plus strand): 5'-AAAGGAGAGAGGCACGCGCTGGGAGAGCTCGTCCATGAGGGCGCTGAAGGTCTTAAAGGC[G>T]CGCTGGTGAACGGCCAGGCGGACCCCAGCAAACCGTGGATCCCCTCGCTTGAGGAAGGTG-3'
Protein context (NP_849188.4, residues 46-66): FAGVRLAVHQ[Arg56=]AFKTFSALMD